The following is an entry in ClinVar:

NM_032153.6(ZIC4):c.988G>A (p.Ala330Thr)

Gene: ZIC4 (Zic family zinc finger 4; minus strand). Cytogenetic location: 3q24.
Variant type: single nucleotide variant.
Coding change: c.988G>A on transcript NM_032153.6 (MANE Select); coding-DNA position 988, G replaced by A.
Protein change: p.Ala330Thr; replaces alanine 330 with threonine.
Molecular consequence: missense variant. On other transcripts: non-coding transcript variant (3).
Genome position (GRCh38, 1-based): chr3:147,390,947, C>T on the plus strand (G>A on the coding strand, the complement: ZIC4 is on the minus strand). VCF-style: chr3-147390947-C-T. GRCh37 (hg19) VCF-style: chr3-147108734-C-T.
Other names: c.1138G>A, p.Ala380Thr (NM_001168378.1); c.1102G>A, p.Ala368Thr (NM_001168379.2); c.370G>A, p.Ala124Thr (NM_001243256.2); short protein forms A124T, A380T, A330T, A368T.
Identifiers: ClinVar variation 3019363 (VCV003019363.3), dbSNP rs775064886, ClinGen allele CA354890392.
Genomic context (GRCh38, chr3:147,390,947, plus strand): 5'-CGGCGGGGGCAGCCGCTATGGGGCCCAAGCCCTGACACACGTACCATTCGCTCAAGTCGG[C>T]GGTACGCGCCGCCACCGCCGCCGAGGAGGCCACCTGGGACTTGTGGCCGCAGTCCGACGA-3'
Protein context (NP_115529.2, residues 320-334): ASSAAVAART[Ala330Thr]DLSE

ClinVar aggregate classification (germline): Uncertain significance (1 of 4 stars; one submission).

Allele frequency attached by ClinVar (database versions not stated): TOPMed 0.00001.
gnomAD v4.1: 17 of 1,610,060 alleles (0.0011%); highest among the groups gnomAD compares: Non-Finnish European, 0.0014%; no homozygotes.

Submission:

Labcorp Genetics (formerly Invitae), Labcorp
Classification: Uncertain significance. Last evaluated: 2023-09-18. Review status: criteria provided, single submitter. Criteria: Invitae Variant Classification Sherloc (09022015). Collection method: clinical testing. Allele origin: germline.
Comment: In summary, the available evidence is currently insufficient to determine the role of this variant in disease. Therefore, it has been classified as a Variant of Uncertain Significance. An algorithm developed to predict the effect of missense changes on protein structure and function (PolyPhen-2) suggests that this variant is likely to be tolerated. This variant has not been reported in the literature in individuals affected with ZIC4-related conditions. This variant is not present in population databases (gnomAD no frequency). This sequence change replaces alanine, which is neutral and non-polar, with threonine, which is neutral and polar, at codon 380 of the ZIC4 protein (p.Ala380Thr).